The following is an entry in ClinVar:

ClinVar aggregate classification (germline): Uncertain significance. Review status: criteria provided, multiple submitters, no conflicts (2 of 4 stars). 2 submissions from 2 submitters: Uncertain significance (2). Last evaluated 2024-01-31.

Conditions:
Inborn genetic diseases. Identifiers: MedGen C0950123, MeSH D030342.

Allele frequency attached by ClinVar (database versions not stated): gnomAD exomes below 0.00001; ExAC 0.00002; gnomAD 0.00003; TOPMed 0.00006; 1000 Genomes Project 30x 0.00016; 1000 Genomes Project 0.00020.
gnomAD v4.1: 9 of 1,614,210 alleles (0.00056%); highest among the groups gnomAD compares: African/African-American, 0.008%; no homozygotes.

Submissions (2):

Labcorp Genetics (formerly Invitae), Labcorp
Classification: Uncertain significance. Last evaluated: 2024-01-31. Review status: criteria provided, single submitter. Criteria: Invitae Variant Classification Sherloc (09022015). Collection method: clinical testing. Allele origin: germline.
Comment: This sequence change replaces glutamine, which is neutral and polar, with histidine, which is basic and polar, at codon 43 of the ANG protein (p.Gln43His). This variant is present in population databases (rs542339286, gnomAD 0.02%). This variant has not been reported in the literature in individuals affected with ANG-related conditions. ClinVar contains an entry for this variant (Variation ID: 2212376). An algorithm developed to predict the effect of missense changes on protein structure and function (PolyPhen-2) suggests that this variant is likely to be tolerated. In summary, the available evidence is currently insufficient to determine the role of this variant in disease. Therefore, it has been classified as a Variant of Uncertain Significance.

Ambry Genetics
Classification: Uncertain significance for Inborn genetic diseases. Last evaluated: 2023-06-09. Review status: criteria provided, single submitter. Criteria: Ambry Variant Classification Scheme 2023. Collection method: clinical testing. Allele origin: germline.
Comment: The p.Q43H variant (also known as c.129G>C), located in coding exon 1 of the ANG gene, results from a G to C substitution at nucleotide position 129. The glutamine at codon 43 is replaced by histidine, an amino acid with highly similar properties. This amino acid position is conserved. In addition, this alteration is predicted to be tolerated by in silico analysis. Since supporting evidence is limited at this time, the clinical significance of this alteration remains unclear.

NM_001097577.3(ANG):c.129G>C (p.Gln43His)

Genes: RNASE4 (ribonuclease A family member 4; plus strand), ANG (angiogenin; plus strand), EGILA (EGFR interacting lncRNA; minus strand). Cytogenetic location: 14q11.2.
Variant type: single nucleotide variant.
Coding change: c.129G>C on transcript NM_001097577.3 (MANE Select); coding-DNA position 129, G replaced by C.
Protein change: p.Gln43His; replaces glutamine 43 with histidine.
Molecular consequence: missense variant. On other transcripts: non-coding transcript variant (1), intron variant (4).
Genome position (GRCh38, 1-based): chr14:20,693,693, G>C. VCF-style: chr14-20693693-G-C. GRCh37 (hg19) VCF-style: chr14-21161852-G-C.
Other names: c.129G>C, p.Gln43His (NM_001145.4, NM_001385271.1, NM_001385272.1 and 2 more transcripts); c.-18+43G>C (NM_001282192.2); c.-17-5662G>C (NM_002937.5, NM_001282193.2); c.-18+4819G>C (NM_194431.3); short protein forms Q43H.
Identifiers: ClinVar variation 2212376 (VCV002212376.5), dbSNP rs542339286, ClinGen allele CA7083141.